The following is an entry in ClinVar:

ClinVar aggregate classification (germline): Pathogenic (1 of 4 stars; one submission).

Conditions:
Tuberous sclerosis 1 (TSC1). Identifiers: Orphanet 805, MedGen C1854465, MONDO:0008612, OMIM 191100.

Submission:

Labcorp Genetics (formerly Invitae), Labcorp
Classification: Pathogenic for Tuberous sclerosis 1. Last evaluated: 2022-11-07. Review status: criteria provided, single submitter. Criteria: Invitae Variant Classification Sherloc (09022015). Collection method: clinical testing. Allele origin: germline.
Comment: For these reasons, this variant has been classified as Pathogenic. This variant has not been reported in the literature in individuals affected with TSC1-related conditions. This variant is not present in population databases (gnomAD no frequency). This sequence change creates a premature translational stop signal (p.His537Leufs*9) in the TSC1 gene. It is expected to result in an absent or disrupted protein product. Loss-of-function variants in TSC1 are known to be pathogenic (PMID: 10227394, 17304050).

Literature cited by the submitters: PubMed 10227394; PubMed 17304050.

NM_000368.5(TSC1):c.1610_1611del (p.His537fs)

Gene: TSC1 (TSC complex subunit 1; minus strand). Cytogenetic location: 9q34.13.
Variant type: Microsatellite.
Coding change: c.1610_1611del on transcript NM_000368.5 (MANE Select); coding-DNA positions 1610 to 1611, 2 bases deleted (AC; older notation c.1610_1611delAC).
Protein change: p.His537fs; shifts the reading frame from histidine 537.
Molecular consequence: frameshift variant. On other transcripts: non-coding transcript variant (5).
Genome position (GRCh38, 1-based): chr9:132,905,967-132,905,968, GT deleted on the plus strand (AC on the coding strand, the reverse complement: TSC1 is on the minus strand); deleting any 2 consecutive bases within chr9:132,905,967-132,905,970 gives the same sequence; the c. name uses the placement nearest the transcript's 3' end. VCF-style (leftmost placement, unchanged base first): chr9-132905966-AGT-A. GRCh37 (hg19) VCF-style: chr9-135781353-AGT-A.
Other names: c.1610_1611del, p.His537fs (NM_001406593.1, NM_001406594.1, NM_001406592.1 and 7 more transcripts); c.1607_1608del, p.His536fs (NM_001406597.1, NM_001406598.1, NM_001406599.1 and 6 more transcripts); c.1457_1458del, p.His486fs (NM_001406610.1, NM_001162427.2); c.1454_1455del, p.His485fs (NM_001406611.1, NM_001406612.1, NM_001406613.1); c.1247_1248del, p.His416fs (NM_001406614.1, NM_001406615.1, NM_001406616.1 and 5 more transcripts); c.557_558del, p.His186fs (NM_001406629.1, NM_001406630.1); c.656_657del, p.His219fs (NM_001406628.1, NM_001406627.1); c.1244_1245del, p.His415fs (NM_001406620.1, NM_001406621.1, NM_001406622.1 and 2 more transcripts); and 1 more; short protein forms H220fs, H415fs, H219fs, H485fs, H486fs, H186fs, H416fs, H536fs.
Identifiers: ClinVar variation 2812678 (VCV002812678.3), dbSNP rs2538734048, ClinGen allele CA2739264841.